The following is an entry in ClinVar:

ClinVar aggregate classification (germline): Likely pathogenic (1 of 4 stars; one submission).

Conditions:
Paediatric disorders.

Submission:

North West Genomic Laboratory Hub, Manchester University NHS Foundation Trust
Classification: Likely pathogenic for Paediatric disorders. Last evaluated: 2025-03-17. Review status: criteria provided, single submitter. Criteria: ACGS Best Practice Guidelines for Variant Classification in Rare Disease 2024. Collection method: clinical testing. Allele origin: germline. Affected: yes.
Comment: PP4_Str PM2_Mod PVS1_Mod

NM_000521.4(HEXB):c.1581_1582del (p.Asp527fs)

Gene: HEXB (hexosaminidase subunit beta; plus strand). Cytogenetic location: 5q13.3.
Variant type: Deletion.
Coding change: c.1581_1582del on transcript NM_000521.4 (MANE Select); coding-DNA positions 1581 to 1582, 2 bases deleted (CA; older notation c.1581_1582delCA).
Protein change: p.Asp527fs; shifts the reading frame from aspartic acid 527.
Molecular consequence: frameshift variant.
Genome position (GRCh38, 1-based): chr5:74,720,715-74,720,716, CA deleted; deleting any 2 consecutive bases within chr5:74,720,714-74,720,716 gives the same sequence; the c. name uses the placement nearest the transcript's 3' end. VCF-style (leftmost placement, unchanged base first): chr5-74720713-GAC-G. GRCh37 (hg19) VCF-style: chr5-74016538-GAC-G.
Other names: c.906_907del, p.Asp302fs (NM_001292004.2); short protein forms D302fs, D527fs.
Identifiers: ClinVar variation 4975011 (VCV004975011.1).